The following is an entry in ClinVar:

ClinVar aggregate classification (germline): Likely benign. Review status: criteria provided, single submitter (1 of 4 stars). 2 submissions from 2 submitters: Likely benign (1). 1 of the submissions does not count toward it. Last evaluated 2025-10-26.

Conditions:
PCLO-related disorder. Also called: PCLO-related condition.

Allele frequency attached by ClinVar (database versions not stated): gnomAD exomes 0.00004 and 0.00010; TOPMed 0.00007; gnomAD 0.00009 and 0.00011; ExAC 0.00015.
gnomAD v4.1: 81 of 1,571,780 alleles (0.0052%); highest among the groups gnomAD compares: Admixed American, 0.012%; no homozygotes.

Submissions (2):

Labcorp Genetics (formerly Invitae), Labcorp
Classification: Likely benign. Last evaluated: 2025-10-26. Review status: criteria provided, single submitter. Criteria: Invitae Variant Classification Sherloc (09022015). Collection method: clinical testing. Allele origin: germline.

PreventionGenetics, part of Exact Sciences
Classification: Likely benign for PCLO-related condition. Last evaluated: 2022-12-07. Review status: no assertion criteria provided. Collection method: clinical testing. Allele origin: germline. Not counted in ClinVar's aggregate classification.
Comment: This variant is classified as likely benign based on ACMG/AMP sequence variant interpretation guidelines (Richards et al. 2015 PMID: 25741868, with internal and published modifications).

NM_033026.6(PCLO):c.14328T>C (p.Ser4776=)

Gene: PCLO (piccolo presynaptic cytomatrix protein; minus strand). Cytogenetic location: 7q21.11.
Variant type: single nucleotide variant.
Coding change: c.14328T>C on transcript NM_033026.6 (MANE Select); coding-DNA position 14328, T replaced by C.
Protein change: p.Ser4776=; no amino-acid change (serine 4776 retained).
Molecular consequence: synonymous variant.
Genome position (GRCh38, 1-based): chr7:82,827,888, A>G on the plus strand (T>C on the coding strand, the complement: PCLO is on the minus strand). VCF-style: chr7-82827888-A-G. GRCh37 (hg19) VCF-style: chr7-82457204-A-G.
Other names: c.14328T>C, p.Ser4776= (NM_014510.3); c.14328T>C (NM_033026.5).
Identifiers: ClinVar variation 1620094 (VCV001620094.11), dbSNP rs201007575, ClinGen allele CA4318863.